The following is an entry in ClinVar:

NM_015559.3(SETBP1):c.2447C>A (p.Thr816Asn)

Gene: SETBP1 (SET binding protein 1; plus strand). Cytogenetic location: 18q12.3.
Variant type: single nucleotide variant.
Coding change: c.2447C>A on transcript NM_015559.3 (MANE Select); coding-DNA position 2447, C replaced by A.
Protein change: p.Thr816Asn; replaces threonine 816 with asparagine.
Molecular consequence: missense variant.
Genome position (GRCh38, 1-based): chr18:44,951,787, C>A. VCF-style: chr18-44951787-C-A. GRCh37 (hg19) VCF-style: chr18-42531752-C-A.
Other names: c.2447C>A, p.Thr816Asn (NM_001379141.1, NM_001379142.1); short protein forms T816N.
Identifiers: ClinVar variation 1300875 (VCV001300875.6), dbSNP rs779562371, ClinGen allele CA402321339.

ClinVar aggregate classification (germline): Uncertain significance. Review status: criteria provided, multiple submitters, no conflicts (2 of 4 stars). 2 submissions from 2 submitters: Uncertain significance (2). Last evaluated 2021-10-19.

Conditions:
Schinzel-Giedion syndrome (SGS). Identifiers: Orphanet 798, MedGen C0265227, MONDO:0010010, OMIM 269150.
Intellectual developmental disorder, autosomal dominant 29. Also called: SETBP1 Haploinsufficiency Disorder; Intellectual disability, autosomal dominant 29. Identifiers: Orphanet 436151, MedGen C4015141, MONDO:0014482, OMIM 616078.

Allele frequency attached by ClinVar (database versions not stated): TOPMed 0.00001.
gnomAD v4.1: 2 of 1,614,124 alleles (0.00012%); highest among the groups gnomAD compares: Non-Finnish European, 0.00017%; no homozygotes.

Submissions (2):

GeneDx
Classification: Uncertain significance. Last evaluated: 2021-10-19. Review status: criteria provided, single submitter. Criteria: GeneDx Variant Classification Process June 2021. Collection method: clinical testing. Allele origin: germline. Affected: yes.
Comment: In silico analysis supports that this missense variant has a deleterious effect on protein structure/function; Has not been previously published as pathogenic or benign to our knowledge

Revvity Omics, Revvity
Classification: Uncertain significance. Last evaluated: 2020-04-05. Review status: criteria provided, single submitter. Criteria: ACMG Guidelines, 2015. Collection method: clinical testing. Allele origin: germline.